The following is an entry in ClinVar:

ClinVar aggregate classification (germline): Uncertain significance (1 of 4 stars; one submission).

Allele frequency attached by ClinVar (database versions not stated): ESP Exome Variant Server 0.00008; gnomAD 0.00011 and 0.00012; TOPMed 0.00011; gnomAD exomes 0.00018 and 0.00030; ExAC 0.00020.
gnomAD v4.1: 457 of 1,613,368 alleles (0.028%); highest among the groups gnomAD compares: South Asian, 0.057%; 3 homozygotes.

Submission:

Labcorp Genetics (formerly Invitae), Labcorp
Classification: Uncertain significance. Last evaluated: 2023-11-28. Review status: criteria provided, single submitter. Criteria: Invitae Variant Classification Sherloc (09022015). Collection method: clinical testing. Allele origin: germline.
Comment: This sequence change replaces valine, which is neutral and non-polar, with methionine, which is neutral and non-polar, at codon 491 of the C6 protein (p.Val491Met). This variant is present in population databases (rs200823179, gnomAD 0.07%). This variant has not been reported in the literature in individuals affected with C6-related conditions. ClinVar contains an entry for this variant (Variation ID: 1415190). Algorithms developed to predict the effect of missense changes on protein structure and function output the following: SIFT: "Not Available"; PolyPhen-2: "Benign"; Align-GVGD: "Not Available". The methionine amino acid residue is found in multiple mammalian species, which suggests that this missense change does not adversely affect protein function. In summary, the available evidence is currently insufficient to determine the role of this variant in disease. Therefore, it has been classified as a Variant of Uncertain Significance.

NM_000065.5(C6):c.1471G>A (p.Val491Met)

Gene: C6 (complement C6; minus strand). Cytogenetic location: 5p13.1.
Variant type: single nucleotide variant.
Coding change: c.1471G>A on transcript NM_000065.5 (MANE Select); coding-DNA position 1471, G replaced by A.
Protein change: p.Val491Met; replaces valine 491 with methionine.
Molecular consequence: missense variant.
Genome position (GRCh38, 1-based): chr5:41,160,355, C>T on the plus strand (G>A on the coding strand, the complement: C6 is on the minus strand). VCF-style: chr5-41160355-C-T. GRCh37 (hg19) VCF-style: chr5-41160457-C-T.
Other names: c.1471G>A, p.Val491Met (NM_001115131.4); short protein forms V491M.
Identifiers: ClinVar variation 1415190 (VCV001415190.4), dbSNP rs200823179, ClinGen allele CA3252442.